The following is an entry in ClinVar:

ClinVar aggregate classification (germline): Uncertain significance. Review status: criteria provided, multiple submitters, no conflicts (2 of 4 stars). 2 submissions from 2 submitters: Uncertain significance (2). Last evaluated 2026-08-07.

Conditions:
Hereditary cancer-predisposing syndrome. Also called: Tumor predisposition; Hereditary Cancer Syndrome; Hereditary neoplastic syndrome; Neoplastic Syndromes, Hereditary. Identifiers: Orphanet 140162, MedGen C0027672, MeSH D009386, MONDO:0015356.
Ataxia-telangiectasia syndrome (AT). Also called: Ataxia telangiectasia (A-T); Cerebello-oculocutaneous telangiectasia; Immunodeficiency with ataxia telangiectasia; Ataxia-telangiectasia, complementation group E; LOUIS-BAR SYNDROME; Ataxia-telangiectasia. Identifiers: Orphanet 100, MedGen C0004135, MONDO:0008840, OMIM 208900.

Submissions (2):

Ambry Genetics
Classification: Uncertain significance for Hereditary cancer-predisposing syndrome. Last evaluated: 2026-08-07. Review status: criteria provided, single submitter. Criteria: Ambry Variant Classification Scheme 2023. Collection method: clinical testing. Allele origin: germline.
Comment: The p.D1145V variant (also known as c.3434A>T), located in coding exon 23 of the ATM gene, results from an A to T substitution at nucleotide position 3434. The aspartic acid at codon 1145 is replaced by valine, an amino acid with highly dissimilar properties. In an assay testing ATM function, this variant showed a functionally abnormal result (Lee KS et al. Cell, 2025 Sep;188:5081-5099.e27). This amino acid position is highly conserved in available vertebrate species. In addition, this alteration is predicted to be deleterious by in silico analysis. Based on the available evidence, the clinical significance of this variant remains unclear.

Labcorp Genetics (formerly Invitae), Labcorp
Classification: Uncertain significance for Ataxia-telangiectasia syndrome. Last evaluated: 2020-03-05. Review status: criteria provided, single submitter. Criteria: Invitae Variant Classification Sherloc (09022015). Collection method: clinical testing. Allele origin: germline.
Comment: In summary, the available evidence is currently insufficient to determine the role of this variant in disease. Therefore, it has been classified as a Variant of Uncertain Significance. Algorithms developed to predict the effect of missense changes on protein structure and function (SIFT, PolyPhen-2, Align-GVGD) all suggest that this variant is likely to be disruptive, but these predictions have not been confirmed by published functional studies and their clinical significance is uncertain. This variant has not been reported in the literature in individuals with ATM-related conditions. This variant is not present in population databases (ExAC no frequency). This sequence change replaces aspartic acid with valine at codon 1145 of the ATM protein (p.Asp1145Val). The aspartic acid residue is highly conserved and there is a large physicochemical difference between aspartic acid and valine.

Literature cited by the submitters: PubMed 40580951 (cited by Ambry Genetics).

NM_000051.4(ATM):c.3434A>T (p.Asp1145Val)

Gene: ATM (ATM serine/threonine kinase; plus strand). Cytogenetic location: 11q22.3.
Variant type: single nucleotide variant.
Coding change: c.3434A>T on transcript NM_000051.4 (MANE Select); coding-DNA position 3434, A replaced by T.
Protein change: p.Asp1145Val; replaces aspartic acid 1145 with valine.
Molecular consequence: missense variant.
Genome position (GRCh38, 1-based): chr11:108,281,026, A>T. VCF-style: chr11-108281026-A-T. GRCh37 (hg19) VCF-style: chr11-108151753-A-T.
Other names: c.3434A>T, p.Asp1145Val (NM_001351834.2); c.3434A>T (NM_000051.3); short protein forms D1145V.
Identifiers: ClinVar variation 1058117 (VCV001058117.10), dbSNP rs1183646267, ClinGen allele CA382519147.